The following is an entry in ClinVar:

ClinVar aggregate classification (germline): Uncertain significance (1 of 4 stars; one submission).

Allele frequency attached by ClinVar (database versions not stated): gnomAD exomes below 0.00001.
gnomAD v4.1: 1 of 1,551,364 alleles (0.000064%); highest among the groups gnomAD compares: African/African-American, 0.0014%; no homozygotes.

Submission:

Labcorp Genetics (formerly Invitae), Labcorp
Classification: Uncertain significance. Last evaluated: 2022-04-23. Review status: criteria provided, single submitter. Criteria: Invitae Variant Classification Sherloc (09022015). Collection method: clinical testing. Allele origin: germline.
Comment: In summary, the available evidence is currently insufficient to determine the role of this variant in disease. Therefore, it has been classified as a Variant of Uncertain Significance. Algorithms developed to predict the effect of missense changes on protein structure and function are either unavailable or do not agree on the potential impact of this missense change (SIFT: "Not Available"; PolyPhen-2: "Possibly Damaging"; Align-GVGD: "Not Available"). This variant has not been reported in the literature in individuals affected with UNC80-related conditions. This variant is not present in population databases (gnomAD no frequency). This sequence change replaces threonine, which is neutral and polar, with alanine, which is neutral and non-polar, at codon 2423 of the UNC80 protein (p.Thr2423Ala).

NM_001371986.1(UNC80):c.7465A>G (p.Thr2489Ala)

Gene: UNC80 (unc-80 subunit of NALCN channel complex; plus strand). Cytogenetic location: 2q34.
Variant type: single nucleotide variant.
Coding change: c.7465A>G on transcript NM_001371986.1 (MANE Select); coding-DNA position 7465, A replaced by G.
Protein change: p.Thr2489Ala; replaces threonine 2489 with alanine.
Molecular consequence: missense variant.
Genome position (GRCh38, 1-based): chr2:209,957,651, A>G. VCF-style: chr2-209957651-A-G. GRCh37 (hg19) VCF-style: chr2-210822375-A-G.
Other names: c.7267A>G, p.Thr2423Ala (NM_032504.2); c.7252A>G, p.Thr2418Ala (NM_182587.4); short protein forms T2418A, T2423A, T2489A.
Identifiers: ClinVar variation 1944730 (VCV001944730.5), dbSNP rs2471201805, ClinGen allele CA350776049.